The following is an entry in ClinVar:

ClinVar aggregate classification (germline): Likely pathogenic (1 of 4 stars; one submission).

Conditions:
Spastic paraplegia, intellectual disability, nystagmus, and obesity. Also called: Spastic paraplegia, intellectual disability, nystagmus, and obesity;. Identifiers: Orphanet 521390, MedGen C4284592, MONDO:0015007, OMIM 617296.

Submission:

Clinical Genomics Laboratory, Washington University in St. Louis
Classification: Likely pathogenic for Spastic paraplegia, intellectual disability, nystagmus, and obesity. Last evaluated: 2023-09-12. Review status: criteria provided, single submitter. Criteria: ACMG Guidelines, 2015. Collection method: clinical testing. Allele origin: germline. Affected: yes.
Comment: The KIDINS220 c.4213_4216dup (p.Ile1406AsnfsTer3) variant, to our knowledge, has not been reported in the medical literature and is absent from the general population (gnomAD v.2.1.1), indicating it is not a common variant. This variant causes a frameshift by duplicating 2 nucleotides, leading to a premature termination codon; however, because this occurs in the last exon, this is not predicted to lead to nonsense mediated decay. At least three variants that introduce a premature termination codon occuring downstream of this variant have been described in affected individuals and are considered pathogenic or likely pathogenic (Josifova DJ et al., PMID: 27005418; Yang L et al., PMID: 29667355; Zhao M et al., PMID: 31630374). Based on available information and the ACMG/AMP guidelines for variant interpretation (Richards S et al., PMID: 25741868), this variant is classified as likely pathogenic.

NM_020738.4(KIDINS220):c.4213_4216dup (p.Ile1406fs)

Gene: KIDINS220 (kinase D interacting substrate 220; minus strand). Cytogenetic location: 2p25.1.
Variant type: Duplication.
Coding change: c.4213_4216dup on transcript NM_020738.4 (MANE Select); coding-DNA positions 4213 to 4216, 4 bases duplicated (ACCA; older notation c.4213_4216dupACCA).
Protein change: p.Ile1406fs; shifts the reading frame from isoleucine 1406.
Molecular consequence: frameshift variant. On other transcripts: intron variant (6).
Genome position (GRCh38, 1-based): chr2:8,731,820-8,731,823, TGGT duplicated on the plus strand (ACCA on the coding strand, the reverse complement: KIDINS220 is on the minus strand); duplicating any 4 consecutive bases within chr2:8,731,820-8,731,825 gives the same sequence; the c. name uses the placement nearest the transcript's 3' end. VCF-style (leftmost placement, unchanged base first): chr2-8731819-A-ATGGT. GRCh37 (hg19) VCF-style: chr2-8871949-A-ATGGT.
Other names: c.4216_4219dup, p.Ile1407fs (NM_001348729.2); c.4159_4162dup, p.Ile1388fs (NM_001348731.2); c.4156_4159dup, p.Ile1387fs (NM_001348732.2); c.4045_4048dup, p.Ile1350fs (NM_001348734.2); c.4042_4045dup, p.Ile1349fs (NM_001348735.2); c.3916_3919dup, p.Ile1307fs (NM_001348736.2); c.3882+1621_3882+1624dup (NM_001348741.2, NM_001348742.2, NM_001348743.2); c.3996+1621_3996+1624dup (NM_001348738.2); and 1 more; short protein forms I1307fs, I1349fs, I1350fs, I1387fs, I1388fs, I1406fs, I1407fs.
Identifiers: ClinVar variation 2672131 (VCV002672131.1), dbSNP rs2527407129, ClinGen allele CA2695200420.